The following is an entry in ClinVar:

ClinVar aggregate classification (germline): Uncertain significance (1 of 4 stars; one submission).

Allele frequency attached by ClinVar (database versions not stated): gnomAD 0.00001; TOPMed 0.00001.
gnomAD v4.1: 9 of 1,552,036 alleles (0.00058%); highest among the groups gnomAD compares: South Asian, 0.0012%; no homozygotes.

Submission:

Labcorp Genetics (formerly Invitae), Labcorp
Classification: Uncertain significance. Last evaluated: 2023-09-10. Review status: criteria provided, single submitter. Criteria: Invitae Variant Classification Sherloc (09022015). Collection method: clinical testing. Allele origin: germline.
Comment: Advanced modeling of protein sequence and biophysical properties (such as structural, functional, and spatial information, amino acid conservation, physicochemical variation, residue mobility, and thermodynamic stability) performed at Invitae indicates that this missense variant is not expected to disrupt ZSWIM6 protein function. In summary, the available evidence is currently insufficient to determine the role of this variant in disease. Therefore, it has been classified as a Variant of Uncertain Significance. This variant has not been reported in the literature in individuals affected with ZSWIM6-related conditions. This variant is not present in population databases (gnomAD no frequency). This sequence change replaces isoleucine, which is neutral and non-polar, with valine, which is neutral and non-polar, at codon 830 of the ZSWIM6 protein (p.Ile830Val).

NM_020928.2(ZSWIM6):c.2488A>G (p.Ile830Val)

Gene: ZSWIM6 (zinc finger SWIM-type containing 6; plus strand). Cytogenetic location: 5q12.1.
Variant type: single nucleotide variant.
Coding change: c.2488A>G on transcript NM_020928.2 (MANE Select); coding-DNA position 2488, A replaced by G.
Protein change: p.Ile830Val; replaces isoleucine 830 with valine.
Molecular consequence: missense variant.
Genome position (GRCh38, 1-based): chr5:61,538,920, A>G. VCF-style: chr5-61538920-A-G. GRCh37 (hg19) VCF-style: chr5-60834747-A-G.
Other names: short protein forms I830V.
Identifiers: ClinVar variation 2808524 (VCV002808524.3), dbSNP rs1157341460, ClinGen allele CA359945456.